The following is an entry in ClinVar:

ClinVar aggregate classification (germline): Uncertain significance (1 of 4 stars; one submission).

gnomAD v4.1: 4 of 1,613,894 alleles (0.00025%); highest among the groups gnomAD compares: Admixed American, 0.005%; no homozygotes.

Submission:

Labcorp Genetics (formerly Invitae), Labcorp
Classification: Uncertain significance. Last evaluated: 2025-08-19. Review status: criteria provided, single submitter. Criteria: Invitae Variant Classification Sherloc (09022015). Collection method: clinical testing. Allele origin: germline.
Comment: This sequence change replaces asparagine, which is neutral and polar, with isoleucine, which is neutral and non-polar, at codon 140 of the TEK protein (p.Asn140Ile). This variant is present in population databases (no rsID available, gnomAD 0.003%). This variant has not been reported in the literature in individuals affected with TEK-related conditions. Invitae Evidence Modeling of protein sequence and biophysical properties (such as structural, functional, and spatial information, amino acid conservation, physicochemical variation, residue mobility, and thermodynamic stability) indicates that this missense variant is not expected to disrupt TEK protein function with a negative predictive value of 80%. In summary, the available evidence is currently insufficient to determine the role of this variant in disease. Therefore, it has been classified as a Variant of Uncertain Significance.

NM_000459.5(TEK):c.419A>T (p.Asn140Ile)

Gene: TEK (TEK receptor tyrosine kinase; plus strand). Cytogenetic location: 9p21.2.
Variant type: single nucleotide variant.
Coding change: c.419A>T on transcript NM_000459.5 (MANE Select); coding-DNA position 419, A replaced by T.
Protein change: p.Asn140Ile; replaces asparagine 140 with isoleucine.
Molecular consequence: missense variant.
Genome position (GRCh38, 1-based): chr9:27,168,549, A>T. VCF-style: chr9-27168549-A-T. GRCh37 (hg19) VCF-style: chr9-27168547-A-T.
Other names: c.419A>T, p.Asn140Ile (NM_001290077.2, NM_001375475.1, NM_001375476.1); c.107A>T, p.Asn36Ile (NM_001290078.2); short protein forms N140I, N36I.
Identifiers: ClinVar variation 4693464 (VCV004693464.1).